The following is an entry in ClinVar:

NM_022124.6(CDH23):c.3613G>A (p.Ala1205Thr)

Genes: C10orf105 (chromosome 10 open reading frame 105; minus strand), CDH23 (cadherin related 23; plus strand). Cytogenetic location: 10q22.1.
Variant type: single nucleotide variant.
Coding change: c.3613G>A on transcript NM_022124.6 (MANE Select); coding-DNA position 3613, G replaced by A.
Protein change: p.Ala1205Thr; replaces alanine 1205 with threonine.
Molecular consequence: missense variant. On other transcripts: intron variant (1).
Genome position (GRCh38, 1-based): chr10:71,730,502, G>A. VCF-style: chr10-71730502-G-A. GRCh37 (hg19) VCF-style: chr10-73490259-G-A.
Other names: c.3613G>A, p.Ala1205Thr (NM_001171930.2); c.-6+7226C>T (NM_001168390.2); short protein forms A1205T.
Identifiers: ClinVar variation 3384483 (VCV003384483.1).

ClinVar aggregate classification (germline): Uncertain significance (1 of 4 stars; one submission).

gnomAD v4.1: 1 of 1,613,902 alleles (0.000062%); highest among the groups gnomAD compares: South Asian, 0.0011%; no homozygotes.

Submission:

GeneDx
Classification: Uncertain significance. Last evaluated: 2024-06-06. Review status: criteria provided, single submitter. Criteria: GeneDx Variant Classification Process June 2021. Collection method: clinical testing. Allele origin: germline. Affected: yes.
Comment: Not observed at significant frequency in large population cohorts (gnomAD); In silico analysis indicates that this missense variant does not alter protein structure/function; Has not been previously published as pathogenic or benign to our knowledge